The following is an entry in ClinVar:

ClinVar aggregate classification (germline): Uncertain significance (1 of 4 stars; one submission).

Conditions:
Glycogen storage disease type III (GSD3). Also called: Cori disease; FORBES DISEASE. Identifiers: Orphanet 366, MedGen C0017922, MONDO:0009291, OMIM 232400.

Allele frequency attached by ClinVar (database versions not stated): gnomAD exomes below 0.00001; TOPMed below 0.00001.
gnomAD v4.1: 1 of 1,613,564 alleles (0.000062%); highest among the groups gnomAD compares: Non-Finnish European, 0.000085%; no homozygotes.

Submission:

Labcorp Genetics (formerly Invitae), Labcorp
Classification: Uncertain significance for Glycogen storage disease type III. Last evaluated: 2021-09-05. Review status: criteria provided, single submitter. Criteria: Invitae Variant Classification Sherloc (09022015). Collection method: clinical testing. Allele origin: germline.
Comment: This sequence change replaces proline with serine at codon 1054 of the AGL protein (p.Pro1054Ser). The proline residue is weakly conserved and there is a moderate physicochemical difference between proline and serine. This variant is not present in population databases (ExAC no frequency). This variant has not been reported in the literature in individuals affected with AGL-related conditions. Algorithms developed to predict the effect of missense changes on protein structure and function output the following: SIFT: "Tolerated"; PolyPhen-2: "Benign"; Align-GVGD: "Class C0". The serine amino acid residue is found in multiple mammalian species, which suggests that this missense change does not adversely affect protein function. In summary, the available evidence is currently insufficient to determine the role of this variant in disease. Therefore, it has been classified as a Variant of Uncertain Significance.

NM_000642.3(AGL):c.3160C>T (p.Pro1054Ser)

Gene: AGL (amylo-alpha-1,6-glucosidase and 4-alpha-glucanotransferase; plus strand). Cytogenetic location: 1p21.2.
Variant type: single nucleotide variant.
Coding change: c.3160C>T on transcript NM_000642.3 (MANE Select); coding-DNA position 3160, C replaced by T.
Protein change: p.Pro1054Ser; replaces proline 1054 with serine.
Molecular consequence: missense variant.
Genome position (GRCh38, 1-based): chr1:99,892,508, C>T. VCF-style: chr1-99892508-C-T. GRCh37 (hg19) VCF-style: chr1-100358064-C-T.
Other names: c.3112C>T, p.Pro1038Ser (NM_000646.3); c.3160C>T, p.Pro1054Ser (NM_001425325.1, NM_000028.3, NM_000643.3 and 1 more transcripts); c.3139C>T, p.Pro1047Ser (NM_001425326.1); c.2959C>T, p.Pro987Ser (NM_001425327.1); c.2956C>T, p.Pro986Ser (NM_001425328.1); c.2821C>T, p.Pro941Ser (NM_001425329.1); c.2782C>T, p.Pro928Ser (NM_001425332.1); short protein forms P1038S, P1054S, P1047S, P928S, P941S, P986S, P987S.
Identifiers: ClinVar variation 1364736 (VCV001364736.6), dbSNP rs1269370932, ClinGen allele CA341326840.
Genomic context (GRCh38, chr1:99,892,508, plus strand): 5'-TCAACCTTTGTGAAACACCTTTCATTGGGTTCAGTTCAACTGTGTGGAGTAGGAAAATTC[C>T]CTTCCCTGCCAATTCTTTCACCTGCCCTAATGGATGTACCTTATAGGTTAAATGAGATCA-3'
Protein context (NP_000633.2, residues 1044-1064): SVQLCGVGKF[Pro1054Ser]SLPILSPALM